The following is an entry in ClinVar:

NM_001128425.2(MUTYH):c.196G>A (p.Ala66Thr)

Gene: MUTYH (mutY DNA glycosylase; minus strand). Cytogenetic location: 1p34.1.
Variant type: single nucleotide variant.
Coding change: c.196G>A on transcript NM_001128425.2 (MANE Plus Clinical); coding-DNA position 196, G replaced by A.
Protein change: p.Ala66Thr; replaces alanine 66 with threonine.
Molecular consequence: missense variant. On other transcripts: intron variant (17), splice acceptor variant (7).
Genome position (GRCh38, 1-based): chr1:45,333,565, C>T on the plus strand (G>A on the coding strand, the complement: MUTYH is on the minus strand). VCF-style: chr1-45333565-C-T. GRCh37 (hg19) VCF-style: chr1-45799237-C-T.
Other names: c.-92-68G>A (NM_001350651.2, NM_001407082.1); c.-97-68G>A (NM_001293192.2, NM_001293196.2, NM_001407091.1); c.-156-4G>A (NM_001350650.2); c.158-4G>A (NM_001407073.1); c.116-4G>A (NM_001048171.2, NM_001407070.1, NM_001407080.1 and 7 more transcripts); c.158-1G>A (NM_001293190.2); c.116-1G>A (NM_001407071.1, NM_001407079.1, NM_001048172.2 and 2 more transcripts); c.134-1G>A (NM_001407087.1); and 4 more; short protein forms A66T, A49T, A63T, A10T, A52T.
Identifiers: ClinVar variation 418771 (VCV000418771.31), dbSNP rs1064793421, ClinGen allele CA16617169.
Genomic context (GRCh38, chr1:45,333,565, plus strand): 5'-GATGGTATGAGGAGACAGAGGCCTGCAATACCACCTCTTCCGGCTGCCTGGCCAGGCCTG[C>T]TGGGGCCCCAGGACACTCAGCAATCATCCCTGCACAGGCTGTGCATCAGGGTCTTGGGAC-3'
Protein context (NP_001121897.1, residues 56-76): GMIAECPGAP[Ala66Thr]GLARQPEEVV

ClinVar aggregate classification (germline): Conflicting classifications of pathogenicity. Review status: criteria provided, conflicting classifications (1 of 4 stars). 8 submissions from 7 submitters: Likely pathogenic (2); Uncertain significance (6). Last evaluated 2025-11-03.

Conditions:
MUTYH-related Breast Cancer.
Gastric cancer. Also called: Malignant tumor of stomach; Stomach cancer. Identifiers: MedGen C0024623, MeSH D013274, MONDO:0001056, OMIM 613659, HP:0012126.
Familial adenomatous polyposis 2. Also called: MUTYH-associated polyposis; MUTYH-related attenuated familial adenomatous polyposis; Adenomas, multiple colorectal; MYH-associated polyposis; MUTYH Polyposis; COLORECTAL ADENOMATOUS POLYPOSIS, AUTOSOMAL RECESSIVE. Identifiers: Orphanet 220460, Orphanet 247798, MedGen C3272841, MONDO:0012041, OMIM 608456.
Hereditary cancer-predisposing syndrome. Also called: Neoplastic Syndromes, Hereditary; Hereditary Cancer Syndrome; Hereditary neoplastic syndrome; Tumor predisposition. Identifiers: Orphanet 140162, MedGen C0027672, MeSH D009386, MONDO:0015356.

Allele frequency attached by ClinVar (database versions not stated): gnomAD exomes 0.00001.

Submissions (8):

Ambry Genetics
Classification: Uncertain significance for Hereditary cancer-predisposing syndrome. Last evaluated: 2025-11-03. Review status: criteria provided, single submitter. Criteria: Ambry Variant Classification Scheme 2023. Collection method: clinical testing. Allele origin: germline.
Comment: The p.A66T variant (also known as c.196G>A), located in coding exon 3 of the MUTYH gene, results from a G to A substitution at nucleotide position 196. The alanine at codon 66 is replaced by threonine, an amino acid with similar properties. This amino acid position is poorly conserved in available vertebrate species. In addition, this alteration is predicted to be tolerated by in silico analysis. Based on the available evidence, the clinical significance of this variant remains unclear.

Labcorp Genetics (formerly Invitae), Labcorp
Classification: Uncertain significance for Familial adenomatous polyposis 2. Last evaluated: 2025-09-02. Review status: criteria provided, single submitter. Criteria: Invitae Variant Classification Sherloc (09022015). Collection method: clinical testing. Allele origin: germline.
Comment: This sequence change replaces alanine, which is neutral and non-polar, with threonine, which is neutral and polar, at codon 66 of the MUTYH protein (p.Ala66Thr). This variant is not present in population databases (gnomAD no frequency). This variant has not been reported in the literature in individuals affected with MUTYH-related conditions. ClinVar contains an entry for this variant (Variation ID: 418771). An algorithm developed to predict the effect of missense changes on protein structure and function outputs the following: PolyPhen-2: "Benign". The threonine amino acid residue is found in multiple mammalian species, which suggests that this missense change does not adversely affect protein function. RNA analysis performed to evaluate the impact of this missense change on mRNA splicing indicates it does not significantly alter splicing (internal data). In summary, the available evidence is currently insufficient to determine the role of this variant in disease. Therefore, it has been classified as a Variant of Uncertain Significance.

Center for Genomic Medicine, Rigshospitalet, Copenhagen University Hospital
Classification: Uncertain significance. Last evaluated: 2025-03-04. Review status: criteria provided, single submitter. Criteria: ACMG Guidelines, 2015. Collection method: clinical testing. Allele origin: germline.

Molecular Genetics and NGS Laboratory, Hospital Fundacion Valle Del Lili
Classification: Likely pathogenic for MUTYH-related Breast Cancer. Last evaluated: 2024-08-30. Review status: criteria provided, single submitter. Criteria: ACMG Guidelines, 2015. Collection method: clinical testing. Allele origin: germline. Affected: yes.
Comment: Null variant (intronic within ±2 of splice site) in gene MUTYH. Loss-of-function is a known mechanism of disease (gene has 300 reported pathogenic LOF variants) (PVS1).

Molecular Genetics and NGS Laboratory, Hospital Fundacion Valle Del Lili
Classification: Likely pathogenic for Familial adenomatous polyposis 2; Gastric cancer. Last evaluated: 2024-04-10. Review status: criteria provided, single submitter. Criteria: ACMG Guidelines, 2015. Collection method: clinical testing. Allele origin: germline. Affected: yes.

Color Diagnostics, LLC DBA Color Health
Classification: Uncertain significance for Hereditary cancer-predisposing syndrome. Last evaluated: 2024-03-06. Review status: criteria provided, single submitter. Criteria: ACMG Guidelines, 2015. Collection method: clinical testing. Allele origin: germline.
Comment: This missense variant replaces alanine with threonine at codon 66 of the MUTYH protein. Computational prediction suggests that this variant may not impact protein structure and function (internally defined REVEL score threshold <= 0.5, PMID: 27666373). To our knowledge, functional studies have not been reported for this variant. This variant has not been reported in individuals affected with hereditary cancer in the literature. This variant has not been identified in the general population by the Genome Aggregation Database (gnomAD). The available evidence is insufficient to determine the role of this variant in disease conclusively. Therefore, this variant is classified as a Variant of Uncertain Significance.

Baylor Genetics
Classification: Uncertain significance for Familial adenomatous polyposis 2. Last evaluated: 2023-05-05. Review status: criteria provided, single submitter. Criteria: ACMG Guidelines, 2015. Collection method: clinical testing. Allele origin: unknown.

GeneDx
Classification: Uncertain significance. Last evaluated: 2015-03-30. Review status: criteria provided, single submitter. Criteria: GeneDx Variant Classification (06012015). Collection method: clinical testing. Allele origin: germline. Affected: yes.
Comment: This variant is denoted MUTYH c.196G>A at the cDNA level, p.Ala66Thr (A66T) at the protein level, and results in the change of an Alanine to a Threonine (GCA>ACA). This variant has not, to our knowledge, been published in the literature as pathogenic or benign. MUTYH Ala66Thr was not observed in approximately 6,500 individuals of European and African American ancestry in the NHLBI Exome Sequencing Project, indicating it is not a common benign variant in these populations. Since Alanine and Threonine differ in polarity, charge, size or other properties, this is considered a non-conservative amino acid substitution. MUTYH Ala66Thr occurs at a position that is not conserved across species with Threonine being the naturally occurring amino acid at this position in one species, and is not located in a known functional domain (UniProt). In silico analyses predict that this variant is unlikely to alter protein structure or function. Based on currently available information, it is unclear whether MUTYH Ala66Thr is pathogenic or benign. We consider it to be a variant of uncertain significance. Of note, MUTYH-Associated Polyposis (MAP) is a recessive condition associated with two pathogenic variants on opposite chromosomes in MUTYH.